The following is an entry in ClinVar:

NM_001620.3(AHNAK):c.12516T>C (p.Ile4172=)

Gene: AHNAK (AHNAK nucleoprotein; minus strand). Cytogenetic location: 11q12.3.
Variant type: single nucleotide variant.
Coding change: c.12516T>C on transcript NM_001620.3 (MANE Select); coding-DNA position 12516, T replaced by C.
Protein change: p.Ile4172=; no amino-acid change (isoleucine 4172 retained).
Molecular consequence: synonymous variant. On other transcripts: intron variant (1).
Genome position (GRCh38, 1-based): chr11:62,521,901, A>G on the plus strand (T>C on the coding strand, the complement: AHNAK is on the minus strand). VCF-style: chr11-62521901-A-G. GRCh37 (hg19) VCF-style: chr11-62289373-A-G.
Other names: c.12516T>C, p.Ile4172= (NM_001346445.2, NM_001346446.2); c.342+13102T>C (NM_024060.4).
Identifiers: ClinVar variation 3771228 (VCV003771228.13).
Genomic context (GRCh38, chr11:62,521,901, plus strand): 5'-TTTCACTTTGGGCATTTTTAAGTGCCAGTCTGGGCCTTGAACGTCCACATCTGGGACATC[A>G]ATGTCCACTTTGGGGCCCTTGATGTCAACTTCAGGGCCCTTGAGGTCGCCTTCCACTTTG-3'
Protein context (NP_001611.1, residues 4162-4182): EVDIKGPKVD[Ile4172=]DVPDVDVQGP

ClinVar aggregate classification (germline): Likely benign (1 of 4 stars; one submission).

Submission:

CeGaT Center for Human Genetics Tuebingen
Classification: Likely benign. Last evaluated: 2025-02-01. Review status: criteria provided, single submitter. Criteria: CeGaT Center For Human Genetics Tuebingen Variant Classification Criteria Version 2. Collection method: clinical testing. Allele origin: germline. Affected: yes. Observed: 1 variant allele.
Comment: AHNAK: BP4, BP7